The following is an entry in ClinVar:

NM_000202.8(IDS):c.292del (p.Asp98fs)

Gene: IDS (iduronate 2-sulfatase; minus strand). Cytogenetic location: Xq28.
Variant type: Deletion.
Coding change: c.292del on transcript NM_000202.8 (MANE Select); coding-DNA position 292, one base deleted (G; older notation c.292delG).
Protein change: p.Asp98fs; shifts the reading frame from aspartic acid 98.
Molecular consequence: frameshift variant. On other transcripts: non-coding transcript variant (1).
Genome position (GRCh38, 1-based): chrX:149,503,438, C deleted on the plus strand (G on the coding strand, the reverse complement: IDS is on the minus strand). VCF-style (leftmost placement, unchanged base first): chrX-149503437-TC-T. GRCh37 (hg19) VCF-style: chrX-148584967-TC-T.
Other names: c.22del, p.Asp8fs (NM_001166550.4); c.292del, p.Asp98fs (NM_006123.5); short protein forms D8fs, D98fs.
Identifiers: ClinVar variation 1726057 (VCV001726057.2), dbSNP rs2520896777, ClinGen allele CA2580101648.

ClinVar aggregate classification (germline): Likely pathogenic (1 of 4 stars; one submission).

Conditions:
Mucopolysaccharidosis, MPS-II (MPS2). Also called: Mucopolysaccharidosis type 2; IDS deficiency; Sulfoiduronate sulfatase deficiency; SIDS deficiency; Attenuated MPS (subtype; formerly known as mild MPS II); Severe MPS II. Identifiers: Orphanet 580, Orphanet 79388, MedGen C0026705, MONDO:0010674, OMIM 309900.

Submission:

Myriad Genetics, Inc.
Classification: Likely pathogenic for Mucopolysaccharidosis, MPS-II. Last evaluated: 2022-05-14. Review status: criteria provided, single submitter. Criteria: Myriad Women's Health Autosomal Recessive and X-Linked Classification Criteria (2021). Collection method: clinical testing. Allele origin: unknown.
Comment: NM_000202.5(IDS):c.292delG(D98Tfs*32) is expected to be pathogenic in the context of mucopolysaccharidosis type II. This variant is predicted to lead to an abnormal or absent protein product due to the creation of a premature termination codon in IDS, a gene where loss-of-function variants are known to be pathogenic. Please note: this variant was assessed in the context of healthy population screening.